The following is an entry in ClinVar:

NM_020207.7(ERCC6L2):c.1016A>G (p.His339Arg)

Gene: ERCC6L2 (ERCC excision repair 6 like 2; plus strand). Cytogenetic location: 9q22.32.
Variant type: single nucleotide variant.
Coding change: c.1016A>G on transcript NM_020207.7 (MANE Select); coding-DNA position 1016, A replaced by G.
Protein change: p.His339Arg; replaces histidine 339 with arginine.
Molecular consequence: missense variant. On other transcripts: non-coding transcript variant (1).
Genome position (GRCh38, 1-based): chr9:95,916,292, A>G. VCF-style: chr9-95916292-A-G. GRCh37 (hg19) VCF-style: chr9-98678574-A-G.
Other names: c.1016A>G, p.His339Arg (NM_001010895.4, NM_001375291.1, NM_001375292.1 and 2 more transcripts); short protein forms H339R.
Identifiers: ClinVar variation 2977951 (VCV002977951.2), dbSNP rs370407012, ClinGen allele CA5139437.

ClinVar aggregate classification (germline): Uncertain significance. Review status: criteria provided, multiple submitters, no conflicts (2 of 4 stars). 2 submissions from 2 submitters: Uncertain significance (2). Last evaluated 2025-10-03.

Conditions:
Inborn genetic diseases. Identifiers: MedGen C0950123, MeSH D030342.

Allele frequency attached by ClinVar (database versions not stated): ExAC 0.00001; gnomAD 0.00001; TOPMed 0.00001; ESP Exome Variant Server 0.00008.

Submissions (2):

Ambry Genetics
Classification: Uncertain significance for Inborn genetic diseases. Last evaluated: 2025-10-03. Review status: criteria provided, single submitter. Criteria: Ambry Variant Classification Scheme 2023. Collection method: clinical testing. Allele origin: germline.
Comment: The p.H339R variant (also known as c.1016A>G), located in coding exon 6 of the ERCC6L2 gene, results from an A to G substitution at nucleotide position 1016. The histidine at codon 339 is replaced by arginine, an amino acid with highly similar properties. This amino acid position is conserved. In addition, this alteration is predicted to be tolerated by in silico analysis. Based on the available evidence, the clinical significance of this variant remains unclear.

Labcorp Genetics (formerly Invitae), Labcorp
Classification: Uncertain significance. Last evaluated: 2023-08-11. Review status: criteria provided, single submitter. Criteria: Invitae Variant Classification Sherloc (09022015). Collection method: clinical testing. Allele origin: germline.
Comment: This variant is present in population databases (rs370407012, gnomAD 0.007%). This variant has not been reported in the literature in individuals affected with ERCC6L2-related conditions. Experimental studies and prediction algorithms are not available or were not evaluated, and the functional significance of this variant is currently unknown. In summary, the available evidence is currently insufficient to determine the role of this variant in disease. Therefore, it has been classified as a Variant of Uncertain Significance. This sequence change replaces histidine, which is basic and polar, with arginine, which is basic and polar, at codon 350 of the ERCC6L2 protein (p.His350Arg).